The following is an entry in ClinVar:

NM_001134232.2(TMEM106B):c.520A>G (p.Thr174Ala)

Gene: TMEM106B (transmembrane protein 106B; plus strand). Cytogenetic location: 7p21.3.
Variant type: single nucleotide variant.
Coding change: c.520A>G on transcript NM_001134232.2 (MANE Select); coding-DNA position 520, A replaced by G.
Protein change: p.Thr174Ala; replaces threonine 174 with alanine.
Molecular consequence: missense variant.
Genome position (GRCh38, 1-based): chr7:12,229,757, A>G. VCF-style: chr7-12229757-A-G. GRCh37 (hg19) VCF-style: chr7-12269383-A-G.
Other names: c.520A>G, p.Thr174Ala (NM_018374.4); short protein forms T174A.
Identifiers: ClinVar variation 3774285 (VCV003774285.1).

ClinVar aggregate classification (germline): Uncertain significance (1 of 4 stars; one submission).

Submission:

GeneDx
Classification: Uncertain significance. Last evaluated: 2024-09-22. Review status: criteria provided, single submitter. Criteria: GeneDx Variant Classification Process June 2021. Collection method: clinical testing. Allele origin: germline. Affected: yes.
Comment: Not observed at significant frequency in large population cohorts (gnomAD); In silico analysis indicates that this missense variant does not alter protein structure/function; Has not been previously published as pathogenic or benign to our knowledge